The following is an entry in ClinVar:

NM_014423.4(AFF4):c.3021T>C (p.Ser1007=)

Gene: AFF4 (ALF transcription elongation factor 4; minus strand). Cytogenetic location: 5q31.1.
Variant type: single nucleotide variant.
Coding change: c.3021T>C on transcript NM_014423.4 (MANE Select); coding-DNA position 3021, T replaced by C.
Protein change: p.Ser1007=; no amino-acid change (serine 1007 retained).
Molecular consequence: synonymous variant.
Genome position (GRCh38, 1-based): chr5:132,886,388, A>G on the plus strand (T>C on the coding strand, the complement: AFF4 is on the minus strand). VCF-style: chr5-132886388-A-G. GRCh37 (hg19) VCF-style: chr5-132222080-A-G.
Other names: c.3021T>C (NM_014423.3).
Identifiers: ClinVar variation 2193386 (VCV002193386.13), dbSNP rs370085438, ClinGen allele CA3408757.

ClinVar aggregate classification (germline): Likely benign. Review status: criteria provided, multiple submitters, no conflicts (2 of 4 stars). 3 submissions from 3 submitters: Likely benign (2). 1 of the submissions does not count toward it. Last evaluated 2025-09-08.

Conditions:
AFF4-related disorder. Also called: AFF4-related condition.
Cognitive impairment - coarse facies - heart defects - obesity - pulmonary involvement - short stature - skeletal dysplasia syndrome. Also called: COGNITIVE IMPAIRMENT, COARSE FACIES, HEART DEFECTS, OBESITY, PULMONARY INVOLVEMENT, SHORT STATURE, AND SKELETAL DYSPLASIA; Chops syndrome; AFF4-Related CHOPS Syndrome. Identifiers: Orphanet 444077, MedGen C4085597, MONDO:0014609, OMIM 616368.

Allele frequency attached by ClinVar (database versions not stated): gnomAD exomes 0.00001; gnomAD 0.00003; TOPMed 0.00003; ExAC 0.00005.
gnomAD v4.1: 24 of 1,613,960 alleles (0.0015%); highest among the groups gnomAD compares: Admixed American, 0.023%; no homozygotes.

Submissions (3):

Labcorp Genetics (formerly Invitae), Labcorp
Classification: Likely benign for Cognitive impairment - coarse facies - heart defects - obesity - pulmonary involvement - short stature - skeletal dysplasia syndrome. Last evaluated: 2025-09-08. Review status: criteria provided, single submitter. Criteria: Invitae Variant Classification Sherloc (09022015). Collection method: clinical testing. Allele origin: germline.

CeGaT Center for Human Genetics Tuebingen
Classification: Likely benign. Last evaluated: 2025-09-01. Review status: criteria provided, single submitter. Criteria: CeGaT Center For Human Genetics Tuebingen Variant Classification Criteria Version 2. Collection method: clinical testing. Allele origin: germline. Affected: yes. Observed: 1 variant allele.
Comment: AFF4: BP4, BP7

PreventionGenetics, part of Exact Sciences
Classification: Likely benign for AFF4-related condition. Last evaluated: 2022-08-31. Review status: no assertion criteria provided. Collection method: clinical testing. Allele origin: germline. Not counted in ClinVar's aggregate classification.
Comment: This variant is classified as likely benign based on ACMG/AMP sequence variant interpretation guidelines (Richards et al. 2015 PMID: 25741868, with internal and published modifications).